The following is an entry in ClinVar:

NM_024757.5(EHMT1):c.3383del (p.Leu1128fs)

Gene: EHMT1 (euchromatic histone lysine methyltransferase 1; plus strand). Cytogenetic location: 9q34.3.
Variant type: Deletion.
Coding change: c.3383del on transcript NM_024757.5 (MANE Select); coding-DNA position 3383, one base deleted (T; older notation c.3383delT).
Protein change: p.Leu1128fs; shifts the reading frame from leucine 1128.
Molecular consequence: frameshift variant.
Genome position (GRCh38, 1-based): chr9:137,817,447, T deleted. VCF-style (leftmost placement, unchanged base first): chr9-137817446-CT-C. GRCh37 (hg19) VCF-style: chr9-140711898-CT-C.
Other names: c.3362del, p.Leu1121fs (NM_001354263.2); short protein forms L1121fs, L1128fs.
Identifiers: ClinVar variation 4535268 (VCV004535268.6).

ClinVar aggregate classification (germline): Pathogenic (1 of 4 stars; one submission).

Submission:

CeGaT Center for Human Genetics Tuebingen
Classification: Pathogenic. Last evaluated: 2025-11-01. Review status: criteria provided, single submitter. Criteria: CeGaT Center For Human Genetics Tuebingen Variant Classification Criteria Version 2. Collection method: clinical testing. Allele origin: germline. Affected: yes. Observed: 1 variant allele.
Comment: EHMT1: PVS1, PM2, PS2:Moderate